The following is an entry in ClinVar:

ClinVar aggregate classification (germline): Likely benign (1 of 4 stars; one submission).

gnomAD v4.1: 78 of 1,613,514 alleles (0.0048%); highest among the groups gnomAD compares: Admixed American, 0.055%; 1 homozygote.

Submission:

CeGaT Center for Human Genetics Tuebingen
Classification: Likely benign. Last evaluated: 2026-09-01. Review status: criteria provided, single submitter. Criteria: CeGaT Center For Human Genetics Tuebingen Variant Classification Criteria Version 2. Collection method: clinical testing. Allele origin: germline. Affected: yes. Observed: 1 variant allele.
Comment: RAC3: BP4, BP7

NM_005052.3(RAC3):c.270C>T (p.Phe90=)

Gene: RAC3 (Rac family small GTPase 3; plus strand). Cytogenetic location: 17q25.3.
Variant type: single nucleotide variant.
Coding change: c.270C>T on transcript NM_005052.3 (MANE Select); coding-DNA position 270, C replaced by T.
Protein change: p.Phe90=; no amino-acid change (phenylalanine 90 retained).
Molecular consequence: synonymous variant.
Genome position (GRCh38, 1-based): chr17:82,032,991, C>T. VCF-style: chr17-82032991-C-T. GRCh37 (hg19) VCF-style: chr17-79990867-C-T.
Other names: c.270C>T, p.Phe90= (NM_001316307.2).
Identifiers: ClinVar variation 5041174 (VCV005041174.1).